The following is an entry in ClinVar:

NM_031418.4(ANO3):c.1154+4C>T

Gene: ANO3 (anoctamin 3; plus strand). Cytogenetic location: 11p14.2.
Variant type: single nucleotide variant.
Coding change: c.1154+4C>T on transcript NM_031418.4 (MANE Select); 4 bases into the intron after coding-DNA position 1154, C replaced by T.
Molecular consequence: intron variant.
Genome position (GRCh38, 1-based): chr11:26,542,072, C>T. VCF-style: chr11-26542072-C-T. GRCh37 (hg19) VCF-style: chr11-26563619-C-T.
Other names: c.1337+4C>T (NM_001313726.2); c.716+4C>T (NM_001313727.2).
Identifiers: ClinVar variation 3031851 (VCV003031851.2), dbSNP rs757843636, ClinGen allele CA5925794.

ClinVar aggregate classification (germline): Likely benign (0 of 4 stars; one submission).

Conditions:
ANO3-related disorder. Also called: ANO3-related condition.

Allele frequency attached by ClinVar (database versions not stated): gnomAD exomes below 0.00001; ExAC 0.00001; gnomAD 0.00001.
gnomAD v4.1: 3 of 1,605,846 alleles (0.00019%); highest among the groups gnomAD compares: Non-Finnish European, 0.00025%; no homozygotes.

Submission:

PreventionGenetics, part of Exact Sciences
Classification: Likely benign for ANO3-related condition. Last evaluated: 2020-10-06. Review status: no assertion criteria provided. Collection method: clinical testing. Allele origin: germline.
Comment: This variant is classified as likely benign based on ACMG/AMP sequence variant interpretation guidelines (Richards et al. 2015 PMID: 25741868, with internal and published modifications).